The following is an entry in ClinVar:

ClinVar aggregate classification (germline): Uncertain significance (1 of 4 stars; one submission).

Submission:

GeneDx
Classification: Uncertain significance. Last evaluated: 2024-10-16. Review status: criteria provided, single submitter. Criteria: GeneDx Variant Classification Process June 2021. Collection method: clinical testing. Allele origin: germline. Affected: yes.
Comment: Not observed at significant frequency in large population cohorts (gnomAD); Missense variants in this gene are a common cause of disease and they are underrepresented in the general population; In silico analysis supports that this missense variant has a deleterious effect on protein structure/function; Has not been previously published as pathogenic or benign to our knowledge; This variant is associated with the following publications: (PMID: 27010057)

NM_178012.5(TUBB2B):c.914C>T (p.Pro305Leu)

Gene: TUBB2B (tubulin beta 2B class IIb; minus strand). Cytogenetic location: 6p25.2.
Variant type: single nucleotide variant.
Coding change: c.914C>T on transcript NM_178012.5 (MANE Select); coding-DNA position 914, C replaced by T.
Protein change: p.Pro305Leu; replaces proline 305 with leucine.
Molecular consequence: missense variant.
Genome position (GRCh38, 1-based): chr6:3,225,175, G>A on the plus strand (C>T on the coding strand, the complement: TUBB2B is on the minus strand). VCF-style: chr6-3225175-G-A. GRCh37 (hg19) VCF-style: chr6-3225409-G-A.
Other names: short protein forms P305L.
Identifiers: ClinVar variation 3781153 (VCV003781153.1).
Genomic context (GRCh38, chr6:3,225,175, plus strand): 5'-TCCTTCATGGACATGCGGCCCCGGAAGATGGCAGCCACCGTCAGGTAGCGGCCGTGGCGC[G>A]GGTCGCAGGCGGCCATCATGTTCTTGGAGTCGAACATCTGCTGGGTGAGCTCGGGCACCG-3'
Protein context (NP_821080.1, residues 295-315): DSKNMMAACD[Pro305Leu]RHGRYLTVAA